The following is an entry in ClinVar:

NM_017534.6(MYH2):c.4818G>A (p.Thr1606=)

Genes: MYH2 (myosin heavy chain 2; minus strand), MYHAS (myosin heavy chain gene cluster antisense RNA; plus strand), LOC126862500 (BRD4-independent group 4 enhancer GRCh37_chr17:10427829-10429028; plus strand). Cytogenetic location: 17p13.1.
Variant type: single nucleotide variant.
Coding change: c.4818G>A on transcript NM_017534.6 (MANE Select); coding-DNA position 4818, G replaced by A.
Protein change: p.Thr1606=; no amino-acid change (threonine 1606 retained).
Molecular consequence: synonymous variant.
Genome position (GRCh38, 1-based): chr17:10,524,910, C>T on the plus strand (G>A on the coding strand, the complement: MYH2 is on the minus strand). VCF-style: chr17-10524910-C-T. GRCh37 (hg19) VCF-style: chr17-10428227-C-T.
Other names: c.4818G>A, p.Thr1606= (NM_001100112.2).
Identifiers: ClinVar variation 766824 (VCV000766824.12), dbSNP rs201177363, ClinGen allele CA8390552.

ClinVar aggregate classification (germline): Likely benign. Review status: criteria provided, multiple submitters, no conflicts (2 of 4 stars). 2 submissions from 2 submitters: Likely benign (2). Last evaluated 2026-06-01.

Conditions:
Myopathy, proximal, and ophthalmoplegia (CMYO6). Also called: INCLUSION BODY MYOPATHY 3, AUTOSOMAL DOMINANT; CONGENITAL MYOPATHY 6 WITH OPHTHALMOPLEGIA; MYOPATHY WITH CONGENITAL JOINT CONTRACTURES, OPHTHALMOPLEGIA, AND RIMMED VACUOLES. Identifiers: Orphanet 363677, Orphanet 79091, MedGen C1854106, MONDO:0011577, OMIM 605637.

Allele frequency attached by ClinVar (database versions not stated): gnomAD 0.00005 and 0.00006; TOPMed 0.00010; gnomAD exomes 0.00019; ExAC 0.00021.
gnomAD v4.1: 85 of 1,613,890 alleles (0.0053%); highest among the groups gnomAD compares: Admixed American, 0.09%; no homozygotes.

Submissions (2):

CeGaT Center for Human Genetics Tuebingen
Classification: Likely benign. Last evaluated: 2026-06-01. Review status: criteria provided, single submitter. Criteria: CeGaT Center For Human Genetics Tuebingen Variant Classification Criteria Version 2. Collection method: clinical testing. Allele origin: germline. Affected: yes. Observed: 1 variant allele.
Comment: MYH2: BP4, BP7

Labcorp Genetics (formerly Invitae), Labcorp
Classification: Likely benign for Myopathy, proximal, and ophthalmoplegia. Last evaluated: 2024-10-29. Review status: criteria provided, single submitter. Criteria: Invitae Variant Classification Sherloc (09022015). Collection method: clinical testing. Allele origin: germline.